The following is an entry in ClinVar:

ClinVar aggregate classification (germline): Uncertain significance (1 of 4 stars; one submission).

Conditions:
Long QT syndrome (LQTS). Identifiers: MedGen C0023976, MeSH D008133, MONDO:0002442. Disease mechanism: loss of function. Inheritance: Various modes of inheritance.

Submission:

Labcorp Genetics (formerly Invitae), Labcorp
Classification: Uncertain significance for Long QT syndrome. Last evaluated: 2019-10-19. Review status: criteria provided, single submitter. Criteria: Invitae Variant Classification Sherloc (09022015). Collection method: clinical testing. Allele origin: germline.
Comment: This variant is not present in population databases (ExAC no frequency). This variant has not been reported in the literature in individuals with CACNA1C-related conditions. This sequence change replaces glycine with serine at codon 2121 of the CACNA1C protein (p.Gly2121Ser). The glycine residue is weakly conserved and there is a small physicochemical difference between glycine and serine. Algorithms developed to predict the effect of missense changes on protein structure and function (SIFT, PolyPhen-2, Align-GVGD) all suggest that this variant is likely to be tolerated, but these predictions have not been confirmed by published functional studies and their clinical significance is uncertain. In summary, the available evidence is currently insufficient to determine the role of this variant in disease. Therefore, it has been classified as a Variant of Uncertain Significance.

NM_000719.7(CACNA1C):c.6361G>A (p.Gly2121Ser)

Genes: CACNA1C (calcium voltage-gated channel subunit alpha1 C; plus strand), CACNA1C-AS1 (CACNA1C antisense RNA 1; minus strand). Cytogenetic location: 12p13.33.
Variant type: single nucleotide variant.
Coding change: c.6361G>A on transcript NM_000719.7 (MANE Select); coding-DNA position 6361, G replaced by A.
Protein change: p.Gly2121Ser; replaces glycine 2121 with serine.
Molecular consequence: missense variant. On other transcripts: non-coding transcript variant (1).
Genome position (GRCh38, 1-based): chr12:2,691,143, G>A. VCF-style: chr12-2691143-G-A. GRCh37 (hg19) VCF-style: chr12-2800309-G-A.
Other names: c.6505G>A, p.Gly2169Ser (NM_001129827.2); c.6484G>A, p.Gly2162Ser (NM_001129829.2); c.6466G>A, p.Gly2156Ser (NM_001129830.3, NM_001167624.3); c.6445G>A, p.Gly2149Ser (NM_001129831.2); c.6421G>A, p.Gly2141Ser (NM_001129832.2); c.6418G>A, p.Gly2140Ser (NM_001129833.2, NM_001129834.2, NM_001129835.2); c.6412G>A, p.Gly2138Ser (NM_001129836.2); c.6385G>A, p.Gly2129Ser (NM_001129837.2, NM_001129838.2); and 6 more; short protein forms G2129S, G2140S, G2121S, G2127S, G2118S, G2138S, G2141S, G2149S.
Identifiers: ClinVar variation 965617 (VCV000965617.10), dbSNP rs2097783379, ClinGen allele CA383387605.